The following is an entry in ClinVar:

NM_031885.5(BBS2):c.1778T>A (p.Leu593Ter)

Gene: BBS2 (Bardet-Biedl syndrome 2; minus strand). Cytogenetic location: 16q13.
Variant type: single nucleotide variant.
Coding change: c.1778T>A on transcript NM_031885.5 (MANE Select); coding-DNA position 1778, T replaced by A.
Protein change: p.Leu593Ter; replaces leucine 593 with a stop codon.
Molecular consequence: nonsense. On other transcripts: non-coding transcript variant (5).
Genome position (GRCh38, 1-based): chr16:56,497,762, A>T on the plus strand (T>A on the coding strand, the complement: BBS2 is on the minus strand). VCF-style: chr16-56497762-A-T. GRCh37 (hg19) VCF-style: chr16-56531674-A-T.
Other names: c.1778T>A, p.Leu593Ter (NM_001377456.1); short protein forms L593*.
Identifiers: ClinVar variation 984001 (VCV000984001.3), dbSNP rs1964154734, ClinGen allele CA395975812.

ClinVar aggregate classification (germline): Likely pathogenic (1 of 4 stars; one submission).

Conditions:
Bardet-Biedl syndrome 2 (BBS2). Identifiers: Orphanet 110, MedGen C2936863, MONDO:0014432, OMIM 615981.

Submission:

Myriad Genetics, Inc.
Classification: Likely pathogenic for Bardet-Biedl syndrome 2. Last evaluated: 2019-03-26. Review status: criteria provided, single submitter. Criteria: Myriad Women's Health Autosomal Recessive and X-Linked Classification Criteria (2019). Collection method: clinical testing. Allele origin: unknown.
Comment: NM_031885.3(BBS2):c.1778T>A(L593*) is expected to be pathogenic in the context of Bardet-Biedl syndrome, BBS2-related. This variant is predicted to lead to an abnormal or absent protein product due to the creation of a premature termination codon in BBS2, a gene where loss-of-function variants are known to be pathogenic. Please note: this variant was assessed in the context of healthy population screening.